The following is an entry in ClinVar:

ClinVar aggregate classification (germline): Uncertain significance. Review status: criteria provided, multiple submitters, no conflicts (2 of 4 stars). 2 submissions from 2 submitters: Uncertain significance (2). Last evaluated 2025-11-26.

Conditions:
Inborn genetic diseases. Identifiers: MedGen C0950123, MeSH D030342.

gnomAD v4.1: 32 of 1,533,278 alleles (0.0021%); highest among the groups gnomAD compares: African/African-American, 0.0041%; no homozygotes.

Submissions (2):

Ambry Genetics
Classification: Uncertain significance for Inborn genetic diseases. Last evaluated: 2025-11-26. Review status: criteria provided, single submitter. Criteria: Ambry Variant Classification Scheme 2023. Collection method: clinical testing. Allele origin: germline.

Labcorp Genetics (formerly Invitae), Labcorp
Classification: Uncertain significance. Last evaluated: 2022-08-22. Review status: criteria provided, single submitter. Criteria: Invitae Variant Classification Sherloc (09022015). Collection method: clinical testing. Allele origin: germline.
Comment: This sequence change replaces arginine, which is basic and polar, with tryptophan, which is neutral and slightly polar, at codon 1114 of the COL18A1 protein (p.Arg1114Trp). The frequency data for this variant in the population databases is considered unreliable, as metrics indicate poor data quality at this position in the gnomAD database. This variant has not been reported in the literature in individuals affected with COL18A1-related conditions. Experimental studies and prediction algorithms are not available or were not evaluated, and the functional significance of this variant is currently unknown. In summary, the available evidence is currently insufficient to determine the role of this variant in disease. Therefore, it has been classified as a Variant of Uncertain Significance.

NM_001379500.1(COL18A1):c.3349C>T (p.Arg1117Trp)

Genes: COL18A1 (collagen type XVIII alpha 1 chain; plus strand), SLC19A1 (solute carrier family 19 member 1; minus strand). Cytogenetic location: 21q22.3.
Variant type: single nucleotide variant.
Coding change: c.3349C>T on transcript NM_001379500.1 (MANE Select); coding-DNA position 3349, C replaced by T.
Protein change: p.Arg1117Trp; replaces arginine 1117 with tryptophan.
Molecular consequence: missense variant.
Genome position (GRCh38, 1-based): chr21:45,509,455, C>T. VCF-style: chr21-45509455-C-T. GRCh37 (hg19) VCF-style: chr21-46929369-C-T.
Other names: NM_130445.2:c.3340C>T; c.3880C>T, p.Arg1294Trp (NM_030582.4); c.4585C>T, p.Arg1529Trp (NM_130444.3); short protein forms R1294W, R1117W, R1529W.
Identifiers: ClinVar variation 1949586 (VCV001949586.3), dbSNP rs556925757, ClinGen allele CA410500806.